The following is an entry in ClinVar:

NM_032043.3(BRIP1):c.674_681del (p.Asn225fs)

Gene: BRIP1 (BRCA1 interacting DNA helicase 1; minus strand). Cytogenetic location: 17q23.2.
Variant type: Deletion.
Coding change: c.674_681del on transcript NM_032043.3 (MANE Select); coding-DNA positions 674 to 681, 8 bases deleted (ACAGTCAA; older notation c.674_681delACAGTCAA).
Protein change: p.Asn225fs; shifts the reading frame from asparagine 225.
Molecular consequence: frameshift variant.
Genome position (GRCh38, 1-based): chr17:61,808,704-61,808,711, TTGACTGT deleted on the plus strand (ACAGTCAA on the coding strand, the reverse complement: BRIP1 is on the minus strand); deleting any 8 consecutive bases within chr17:61,808,704-61,808,713 gives the same sequence; the c. name uses the placement nearest the transcript's 3' end. VCF-style (leftmost placement, unchanged base first): chr17-61808703-CTTGACTGT-C. GRCh37 (hg19) VCF-style: chr17-59886064-CTTGACTGT-C.
Other names: c.674_681delACAGTCAA (NM_032043.2); short protein forms N225fs.
Identifiers: ClinVar variation 4631121 (VCV004631121.2).

ClinVar aggregate classification (germline): Pathogenic. Review status: criteria provided, multiple submitters, no conflicts (2 of 4 stars). 2 submissions from 2 submitters: Pathogenic (2). Last evaluated 2025-12-10.

Conditions:
Familial cancer of breast. Also called: hereditary breast carcinoma; Hereditary breast cancer; BREAST CANCER, FAMILIAL. Identifiers: Orphanet 227535, MedGen C0346153, MONDO:0016419, OMIM 114480. Disease mechanism: loss of function.
Fanconi anemia complementation group J. Also called: BRIP1-Related Fanconi Anemia. Identifiers: Orphanet 84, MedGen C1836860, MONDO:0012187, OMIM 609054.
Hereditary cancer-predisposing syndrome. Also called: Hereditary neoplastic syndrome; Hereditary Cancer Syndrome; Neoplastic Syndromes, Hereditary; Tumor predisposition. Identifiers: Orphanet 140162, MedGen C0027672, MeSH D009386, MONDO:0015356.

Submissions (2):

Labcorp Genetics (formerly Invitae), Labcorp
Classification: Pathogenic for Familial cancer of breast; Fanconi anemia complementation group J. Last evaluated: 2025-12-10. Review status: criteria provided, single submitter. Criteria: Invitae Variant Classification Sherloc (09022015). Collection method: clinical testing. Allele origin: germline.
Comment: This sequence change creates a premature translational stop signal (p.Asn225Argfs*7) in the BRIP1 gene. It is expected to result in an absent or disrupted protein product. Loss-of-function variants in BRIP1 are known to be pathogenic (PMID: 16116423, 17033622, 21964575). This variant is not present in population databases (gnomAD no frequency). This variant has not been reported in the literature in individuals affected with BRIP1-related conditions. For these reasons, this variant has been classified as Pathogenic.

Ambry Genetics
Classification: Pathogenic for Hereditary cancer-predisposing syndrome. Last evaluated: 2025-11-19. Review status: criteria provided, single submitter. Criteria: Ambry Variant Classification Scheme 2023. Collection method: clinical testing. Allele origin: germline.
Comment: The c.674_681delACAGTCAA pathogenic mutation, located in coding exon 6 of the BRIP1 gene, results from a deletion of 8 nucleotides at nucleotide positions 674 to 681, causing a translational frameshift with a predicted alternate stop codon (p.N225Rfs*7). This variant is considered to be rare based on population cohorts in the Genome Aggregation Database (gnomAD). This alteration is expected to result in loss of function by premature protein truncation or nonsense-mediated mRNA decay. As such, this alteration is interpreted as a disease-causing mutation.

Literature cited by the submitters: PubMed 16116423 (cited by Labcorp Genetics (formerly Invitae), Labcorp); PubMed 17033622 (cited by Labcorp Genetics (formerly Invitae), Labcorp); PubMed 21964575 (cited by Labcorp Genetics (formerly Invitae), Labcorp).